The following is an entry in ClinVar:

NM_033641.4(COL4A6):c.2887A>G (p.Asn963Asp)

Gene: COL4A6 (collagen type IV alpha 6 chain; minus strand). Cytogenetic location: Xq22.3.
Variant type: single nucleotide variant.
Coding change: c.2887A>G on transcript NM_033641.4 (MANE Select); coding-DNA position 2887, A replaced by G.
Protein change: p.Asn963Asp; replaces asparagine 963 with aspartic acid.
Molecular consequence: missense variant.
Genome position (GRCh38, 1-based): chrX:108,175,159, T>C on the plus strand (A>G on the coding strand, the complement: COL4A6 is on the minus strand). VCF-style: chrX-108175159-T-C. GRCh37 (hg19) VCF-style: chrX-107418389-T-C.
Other names: c.2938A>G, p.Asn980Asp (NM_001287758.2); c.2887A>G, p.Asn963Asp (NM_001287759.2, NM_001287760.2, NM_001440760.1); c.2890A>G, p.Asn964Asp (NM_001440759.1, NM_001847.4); short protein forms N980D, N963D, N964D.
Identifiers: ClinVar variation 4695337 (VCV004695337.1).
Genomic context (GRCh38, chrX:108,175,159, plus strand): 5'-CAGGAAATCCATTGGATCCGGCTGAGCCTTGAGAGCCTTTGTCTCCTTTGAGCCAAAGGT[T>C]TGACATTGGACGTCTTGGACTAGGTATTCCGACTGGCCCCGGATTGCCTCTGTCTCCTGC-3'
Protein context (NP_378667.1, residues 953-973): GIPSPRRPMS[Asn963Asp]LWLKGDKGSQ

ClinVar aggregate classification (germline): Uncertain significance (1 of 4 stars; one submission).

gnomAD v4.1: 1 of 1,203,692 alleles (0.000083%); highest among the groups gnomAD compares: Non-Finnish European, 0.00011%; no homozygotes.

Submission:

Labcorp Genetics (formerly Invitae), Labcorp
Classification: Uncertain significance. Last evaluated: 2025-12-02. Review status: criteria provided, single submitter. Criteria: Invitae Variant Classification Sherloc (09022015). Collection method: clinical testing. Allele origin: germline.
Comment: This sequence change replaces asparagine, which is neutral and polar, with aspartic acid, which is acidic and polar, at codon 964 of the COL4A6 protein (p.Asn964Asp). This variant is not present in population databases (gnomAD no frequency). This variant has not been reported in the literature in individuals affected with COL4A6-related conditions. Invitae Evidence Modeling of protein sequence and biophysical properties (such as structural, functional, and spatial information, amino acid conservation, physicochemical variation, residue mobility, and thermodynamic stability) indicates that this missense variant is not expected to disrupt COL4A6 protein function with a negative predictive value of 80%. In summary, the available evidence is currently insufficient to determine the role of this variant in disease. Therefore, it has been classified as a Variant of Uncertain Significance.